The following is an entry in ClinVar:

ClinVar aggregate classification (germline): Uncertain significance. Review status: criteria provided, multiple submitters, no conflicts (2 of 4 stars). 2 submissions from 2 submitters: Uncertain significance (2). Last evaluated 2025-12-31.

Conditions:
Autosomal dominant nonsyndromic hearing loss 65. Also called: Deafness, autosomal dominant 65; TBC1D24-Related Autosomal Dominant Nonsyndromic Hearing Loss (DFNA). Identifiers: Orphanet 90635, MedGen C3892048, MONDO:0014470, OMIM 616044.
Developmental and epileptic encephalopathy, 1 (DEE1). Also called: X-linked infantile spasms; West's syndrome; Tonic spasms with clustering, arrest of psychomotor development and hypsarrhythmia on EEG; X-Linked Infantile Spasm Syndrome; OHTAHARA SYNDROME, X-LINKED; INFANTILE SPASM SYNDROME, X-LINKED 1. Identifiers: MedGen C3463992, MONDO:0010632, OMIM 308350. Disease mechanism: loss of function.
Inborn genetic diseases. Identifiers: MedGen C0950123, MeSH D030342.

Submissions (2):

Ambry Genetics
Classification: Uncertain significance for Inborn genetic diseases. Last evaluated: 2025-12-31. Review status: criteria provided, single submitter. Criteria: Ambry Variant Classification Scheme 2023. Collection method: clinical testing. Allele origin: germline.

Labcorp Genetics (formerly Invitae), Labcorp
Classification: Uncertain significance for Developmental and epileptic encephalopathy, 1; Autosomal dominant nonsyndromic hearing loss 65. Last evaluated: 2021-09-26. Review status: criteria provided, single submitter. Criteria: Invitae Variant Classification Sherloc (09022015). Collection method: clinical testing. Allele origin: germline.
Comment: In summary, the available evidence is currently insufficient to determine the role of this variant in disease. Therefore, it has been classified as a Variant of Uncertain Significance. Algorithms developed to predict the effect of missense changes on protein structure and function are either unavailable or do not agree on the potential impact of this missense change (SIFT: "Deleterious"; PolyPhen-2: "Benign"; Align-GVGD: "Class C35"). This variant has not been reported in the literature in individuals with TBC1D24-related conditions. This variant is not present in population databases (ExAC no frequency). This sequence change replaces lysine with asparagine at codon 321 of the TBC1D24 protein (p.Lys321Asn). The lysine residue is highly conserved and there is a moderate physicochemical difference between lysine and asparagine.

NM_001199107.2(TBC1D24):c.963G>T (p.Lys321Asn)

Gene: TBC1D24 (TBC1 domain family member 24; plus strand). Cytogenetic location: 16p13.3.
Variant type: single nucleotide variant.
Coding change: c.963G>T on transcript NM_001199107.2 (MANE Select); coding-DNA position 963, G replaced by T.
Protein change: p.Lys321Asn; replaces lysine 321 with asparagine.
Molecular consequence: missense variant.
Genome position (GRCh38, 1-based): chr16:2,497,111, G>T. VCF-style: chr16-2497111-G-T. GRCh37 (hg19) VCF-style: chr16-2547112-G-T.
Other names: c.963G>T, p.Lys321Asn (NM_020705.3); c.963G>T (NM_001199107.1); short protein forms K321N.
Identifiers: ClinVar variation 1483163 (VCV001483163.7), dbSNP rs2141872825, ClinGen allele CA394378189.